The following is an entry in ClinVar:

ClinVar aggregate classification (germline): Uncertain significance. Review status: criteria provided, multiple submitters, no conflicts (2 of 4 stars). 2 submissions from 2 submitters: Uncertain significance (2). Last evaluated 2023-08-03.

Allele frequency attached by ClinVar (database versions not stated): ExAC 0.00001; gnomAD exomes 0.00002.
gnomAD v4.1: 20 of 1,613,864 alleles (0.0012%); highest among the groups gnomAD compares: South Asian, 0.0099%; no homozygotes.

Submissions (2):

Blueprint Genetics
Classification: Uncertain significance. Last evaluated: 2023-08-03. Review status: criteria provided, single submitter. Criteria: ACMG Guidelines, 2015. Collection method: clinical testing. Allele origin: germline.

Labcorp Genetics (formerly Invitae), Labcorp
Classification: Uncertain significance. Last evaluated: 2019-10-30. Review status: criteria provided, single submitter. Criteria: Invitae Variant Classification Sherloc (09022015). Collection method: clinical testing. Allele origin: germline.
Comment: In summary, the available evidence is currently insufficient to determine the role of this variant in disease. Therefore, it has been classified as a Variant of Uncertain Significance. Algorithms developed to predict the effect of missense changes on protein structure and function are either unavailable or do not agree on the potential impact of this missense change (SIFT: "Deleterious"; PolyPhen-2: "Probably Damaging"; Align-GVGD: "Class C15"). This variant is present in population databases (rs760916415, ExAC 0.006%). This sequence change replaces glycine with arginine at codon 2638 of the VCAN protein (p.Gly2638Arg). The glycine residue is highly conserved and there is a moderate physicochemical difference between glycine and arginine. This variant has not been reported in the literature in individuals with VCAN-related conditions.

NM_004385.5(VCAN):c.7912G>C (p.Gly2638Arg)

Genes: VCAN (versican; plus strand), VCAN-AS1 (VCAN antisense RNA 1; minus strand). Cytogenetic location: 5q14.3.
Variant type: single nucleotide variant.
Coding change: c.7912G>C on transcript NM_004385.5 (MANE Select); coding-DNA position 7912, G replaced by C.
Protein change: p.Gly2638Arg; replaces glycine 2638 with arginine.
Molecular consequence: missense variant. On other transcripts: intron variant (2).
Genome position (GRCh38, 1-based): chr5:83,540,915, G>C. VCF-style: chr5-83540915-G-C. GRCh37 (hg19) VCF-style: chr5-82836734-G-C.
Other names: c.4951G>C, p.Gly1651Arg (NM_001164097.2); c.4004-4622G>C (NM_001164098.2); c.1043-4622G>C (NM_001126336.3); short protein forms G2638R, G1651R.
Identifiers: ClinVar variation 971819 (VCV000971819.10), dbSNP rs760916415, ClinGen allele CA3333711.
Genomic context (GRCh38, chr5:83,540,915, plus strand): 5'-CAAGTTCAAGAGATCTATGAGGCAGCTGTCAACCTTTCTTTAACTGAGGAAACATTTGAG[G>C]GCTCTGCTGATGTTCTGGCTAGCTACACTCAGGCAACACATGATGAATCAATGACTTATG-3'
Protein context (NP_004376.2, residues 2628-2648): NLSLTEETFE[Gly2638Arg]SADVLASYTQ